The following is an entry in ClinVar:

ClinVar aggregate classification (germline): Pathogenic/Likely pathogenic. Review status: criteria provided, multiple submitters, no conflicts (2 of 4 stars). 3 submissions from 3 submitters: Pathogenic (2); Likely pathogenic (1). Last evaluated 2025-06-02.

Conditions:
Hereditary spastic paraplegia 50 (SPG50). Also called: Spastic paraplegia 50, autosomal recessive. Identifiers: Orphanet 280763, MedGen C2752008, MONDO:0013048, OMIM 612936.

Allele frequency attached by ClinVar (database versions not stated): gnomAD exomes below 0.00001 and 0.00002; ExAC 0.00001; gnomAD 0.00001.

Submissions (3):

Victorian Clinical Genetics Services, Murdoch Childrens Research Institute
Classification: Pathogenic for Hereditary spastic paraplegia 50. Last evaluated: 2025-06-02. Review status: criteria provided, single submitter. Criteria: ACMG Guidelines, 2015. Collection method: clinical testing. Allele origin: germline. Affected: no.
Comment: This variant is classified as Pathogenic. Evidence in support of pathogenic classification: Variant is predicted to cause nonsense-mediated decay (NMD) and loss of protein (premature termination codon is located at least 54 nucleotides upstream of the final exon-exon junction); Variant is present in gnomAD <0.01 for a recessive condition (v4: 28 heterozygote(s), 0 homozygote(s)); This variant has moderate previous evidence of pathogenicity in unrelated individuals. It has been reported in two homozygous siblings affected with polymicrogyria, epilepsy, and developmental delay (PMID: 37486637). In addition, it has been classified as pathogenic and likely pathogenic by clinical laboratories (ClinVar); Other NMD-predicted variant(s) comparable to the one identified in this case have very strong previous evidence for pathogenicity (DECIPHER). Additional information: This variant is heterozygous; This gene is associated with autosomal recessive disease; No published functional evidence has been identified for this variant; Loss of function is a known mechanism of disease in this gene and is associated with autosomal recessive spastic paraplegia 50 (MIM#612936).

Labcorp Genetics (formerly Invitae), Labcorp
Classification: Pathogenic for Hereditary spastic paraplegia 50. Last evaluated: 2024-11-05. Review status: criteria provided, single submitter. Criteria: Invitae Variant Classification Sherloc (09022015). Collection method: clinical testing. Allele origin: germline.
Comment: This sequence change creates a premature translational stop signal (p.Val48Serfs*33) in the AP4M1 gene. It is expected to result in an absent or disrupted protein product. Loss-of-function variants in AP4M1 are known to be pathogenic (PMID: 24700674, 25496299, 25558065). This variant is present in population databases (rs764326593, gnomAD 0.002%). This premature translational stop signal has been observed in individual(s) with AP4M1-related conditions (PMID: 37486637). ClinVar contains an entry for this variant (Variation ID: 1697248). For these reasons, this variant has been classified as Pathogenic.

Institute of Human Genetics, University of Goettingen
Classification: Likely pathogenic for Hereditary spastic paraplegia 50. Last evaluated: 2022-07-18. Review status: criteria provided, single submitter. Criteria: ACMG Guidelines, 2015. Collection method: clinical testing. Allele origin: germline. Inheritance: Autosomal recessive inheritance. Affected: yes. Observed: 1 compound heterozygote.

Literature cited by the submitters: PubMed 37486637 (cited by Victorian Clinical Genetics Services, Murdoch Childrens Research Institute and Labcorp Genetics (formerly Invitae), Labcorp); PubMed 24700674 (cited by Labcorp Genetics (formerly Invitae), Labcorp); PubMed 25496299 (cited by Labcorp Genetics (formerly Invitae), Labcorp); PubMed 25558065 (cited by Labcorp Genetics (formerly Invitae), Labcorp).

NM_004722.4(AP4M1):c.142del (p.Val48fs)

Gene: AP4M1 (adaptor related protein complex 4 subunit mu 1; plus strand). Cytogenetic location: 7q22.1.
Variant type: Deletion.
Coding change: c.142del on transcript NM_004722.4 (MANE Select); coding-DNA position 142, one base deleted (G; older notation c.142delG).
Protein change: p.Val48fs; shifts the reading frame from valine 48.
Molecular consequence: frameshift variant.
Genome position (GRCh38, 1-based): chr7:100,101,963, G deleted. VCF-style (leftmost placement, unchanged base first): chr7-100101962-TG-T. GRCh37 (hg19) VCF-style: chr7-99699585-TG-T.
Other names: c.142del, p.Val48fs (NM_001363671.2); short protein forms V48fs.
Identifiers: ClinVar variation 1697248 (VCV001697248.6), dbSNP rs764326593, ClinGen allele CA4374450.
Genomic context (GRCh38, chr7:100,101,962, plus strand): 5'-GGATGTGGCCGAGCTCTTCTACCGGAAGCTGACGGGACTGCCAGGAGACGAGTCCCCGGT[TG>T]TCATGGTAACCAGTGGCGGGAGGCGGGTGAGGAGCGGGGTCCCGTCGGGCCGGGTGGGCG-3'